The following is an entry in ClinVar:

NM_177438.3(DICER1):c.1946T>C (p.Leu649Pro)

Gene: DICER1 (dicer 1, ribonuclease III; minus strand). Cytogenetic location: 14q32.13.
Variant type: single nucleotide variant.
Coding change: c.1946T>C on transcript NM_177438.3 (MANE Select); coding-DNA position 1946, T replaced by C.
Protein change: p.Leu649Pro; replaces leucine 649 with proline.
Molecular consequence: missense variant.
Genome position (GRCh38, 1-based): chr14:95,113,186, A>G on the plus strand (T>C on the coding strand, the complement: DICER1 is on the minus strand). VCF-style: chr14-95113186-A-G. GRCh37 (hg19) VCF-style: chr14-95579523-A-G.
Other names: c.1946T>C, p.Leu649Pro (NM_001271282.3, NM_001291628.2, NM_030621.4 and 1 more transcripts); short protein forms L649P.
Identifiers: ClinVar variation 1020572 (VCV001020572.10), dbSNP rs752761725, ClinGen allele CA390883426.

ClinVar aggregate classification (germline): Uncertain significance (1 of 4 stars; one submission).

Conditions:
DICER1-related tumor predisposition. Also called: DICER1 syndrome; DICER1-related pleuropulmonary blastoma cancer predisposition syndrome. Identifiers: Orphanet 284343, MedGen C3839822, MONDO:0100216.

Submission:

Labcorp Genetics (formerly Invitae), Labcorp
Classification: Uncertain significance for DICER1-related tumor predisposition. Last evaluated: 2020-03-27. Review status: criteria provided, single submitter. Criteria: Invitae Variant Classification Sherloc (09022015). Collection method: clinical testing. Allele origin: germline.
Comment: In summary, the available evidence is currently insufficient to determine the role of this variant in disease. Therefore, it has been classified as a Variant of Uncertain Significance. Algorithms developed to predict the effect of missense changes on protein structure and function (SIFT, PolyPhen-2, Align-GVGD) all suggest that this variant is likely to be disruptive, but these predictions have not been confirmed by published functional studies and their clinical significance is uncertain. This variant has not been reported in the literature in individuals with DICER1-related conditions. This variant is not present in population databases (ExAC no frequency). This sequence change replaces leucine with proline at codon 649 of the DICER1 protein (p.Leu649Pro). The leucine residue is highly conserved and there is a moderate physicochemical difference between leucine and proline.